The following is an entry in ClinVar:

ClinVar aggregate classification (germline): Uncertain significance (1 of 4 stars; one submission).

Conditions:
Cardiovascular phenotype. Identifiers: MedGen CN230736.

gnomAD v4.1: 29 of 1,614,154 alleles (0.0018%); highest among the groups gnomAD compares: South Asian, 0.0022%; no homozygotes.

Submission:

Ambry Genetics
Classification: Uncertain significance for Cardiovascular phenotype. Last evaluated: 2025-12-01. Review status: criteria provided, single submitter. Criteria: Ambry Variant Classification Scheme 2023. Collection method: clinical testing. Allele origin: germline.
Comment: The p.D834N variant (also known as c.2500G>A), located in coding exon 15 of the SCN10A gene, results from a G to A substitution at nucleotide position 2500. The aspartic acid at codon 834 is replaced by asparagine, an amino acid with highly similar properties. This amino acid position is conserved. In addition, the in silico prediction for this alteration is inconclusive. Based on the available evidence, the clinical significance of this variant remains unclear.

NM_006514.4(SCN10A):c.2500G>A (p.Asp834Asn)

Gene: SCN10A (sodium voltage-gated channel alpha subunit 10; minus strand). Cytogenetic location: 3p22.2.
Variant type: single nucleotide variant.
Coding change: c.2500G>A on transcript NM_006514.4 (MANE Select); coding-DNA position 2500, G replaced by A.
Protein change: p.Asp834Asn; replaces aspartic acid 834 with asparagine.
Molecular consequence: missense variant.
Genome position (GRCh38, 1-based): chr3:38,728,682, C>T on the plus strand (G>A on the coding strand, the complement: SCN10A is on the minus strand). VCF-style: chr3-38728682-C-T. GRCh37 (hg19) VCF-style: chr3-38770173-C-T.
Other names: c.2500G>A, p.Asp834Asn (NM_001293306.2); c.2206G>A, p.Asp736Asn (NM_001293307.2); short protein forms D736N, D834N.
Identifiers: ClinVar variation 4614897 (VCV004614897.1).